The following is an entry in ClinVar:

NM_000286.3(PEX12):c.910_911del (p.Cys304fs)

Gene: PEX12 (peroxisomal biogenesis factor 12; minus strand). Cytogenetic location: 17q12.
Variant type: Microsatellite.
Coding change: c.910_911del on transcript NM_000286.3 (MANE Select); coding-DNA positions 910 to 911, 2 bases deleted (TG; older notation c.910_911delTG).
Protein change: p.Cys304fs; shifts the reading frame from cysteine 304.
Molecular consequence: frameshift variant.
Genome position (GRCh38, 1-based): chr17:35,575,951-35,575,952, CA deleted on the plus strand (TG on the coding strand, the reverse complement: PEX12 is on the minus strand); deleting any 2 consecutive bases within chr17:35,575,951-35,575,956 gives the same sequence; the c. name uses the placement nearest the transcript's 3' end. VCF-style (leftmost placement, unchanged base first): chr17-35575950-GCA-G. GRCh37 (hg19) VCF-style: chr17-33902969-GCA-G.
Other names: short protein forms C304fs.
Identifiers: ClinVar variation 1069736 (VCV001069736.14), dbSNP rs867245161, ClinGen allele CA290068182.

ClinVar aggregate classification (germline): Pathogenic/Likely pathogenic. Review status: criteria provided, multiple submitters, no conflicts (2 of 4 stars). 5 submissions from 5 submitters: Pathogenic (1); Likely pathogenic (4). Last evaluated 2025-11-09.

Conditions:
PEX12-related disorder. Also called: PEX12-related condition; PEX12-related disorders.
Peroxisome biogenesis disorder 3A (Zellweger). Also called: PEROXISOMAL BIOGENESIS DISORDER 3A (ZELLWEGER); Peroxisome biogenesis disorder 3A. Identifiers: Orphanet 912, MedGen C3553929, MONDO:0013927, OMIM 614859.
Peroxisome biogenesis disorder. Identifiers: Orphanet 79189, MedGen C1832200, MONDO:0019234. Disease mechanism: loss of function.

Submissions (5):

Labcorp Genetics (formerly Invitae), Labcorp
Classification: Pathogenic for Peroxisome biogenesis disorder 3A (Zellweger). Last evaluated: 2025-11-09. Review status: criteria provided, single submitter. Criteria: Invitae Variant Classification Sherloc (09022015). Collection method: clinical testing. Allele origin: germline.
Comment: This sequence change creates a premature translational stop signal (p.Cys304Profs*5) in the PEX12 gene. While this is not anticipated to result in nonsense mediated decay, it is expected to disrupt the last 56 amino acid(s) of the PEX12 protein. This variant is present in population databases (no rsID available, gnomAD 0.01%). This variant has not been reported in the literature in individuals affected with PEX12-related conditions. ClinVar contains an entry for this variant (Variation ID: 1069736). This variant disrupts a region of the PEX12 protein in which other variant(s) (p.Gln337*) have been determined to be pathogenic (internal data). This suggests that this is a clinically significant region of the protein, and that variants that disrupt it are likely to be disease-causing. For these reasons, this variant has been classified as Pathogenic.

Baylor Genetics
Classification: Likely pathogenic for Peroxisome biogenesis disorder 3A (Zellweger). Last evaluated: 2024-03-23. Review status: criteria provided, single submitter. Criteria: ACMG Guidelines, 2015. Collection method: clinical testing. Allele origin: unknown.

Genetic Services Laboratory, University of Chicago
Classification: Likely pathogenic. Last evaluated: 2019-02-13. Review status: criteria provided, single submitter. Criteria: ACMG Guidelines, 2015. Collection method: clinical testing. Allele origin: germline. Affected: yes.
Comment: DNA sequence analysis of the PEX12 gene demonstrated a 2 base pair deletion in exon 3, c.910_911del. This sequence change results in an amino acid frameshift and creates a premature stop codon 4 amino acids downstream of the variant, p.Cys304Profs*5. While this deletion has not previously been described in the literature, other small deletions in the PEX12 gene have been described in several patients with PEX12-related disorders. This sequence change is predicted to result in an abnormal transcript, which may be degraded, or may lead to the production of a truncated PEX12 protein with potentially abnormal function.

Blueprint Genetics
Classification: Likely pathogenic for PEX12-related disorders. Last evaluated: 2019-01-22. Review status: criteria provided, single submitter. Criteria: ACMG Guidelines, 2015. Collection method: clinical testing. Allele origin: germline. Affected: yes. Observed: 1 variant allele.

Laboratory for Molecular Medicine, Mass General Brigham Personalized Medicine
Classification: Likely pathogenic for Peroxisome biogenesis disorder. Last evaluated: 2017-04-03. Review status: criteria provided, single submitter. Criteria: ACMG Guidelines, 2015. Collection method: clinical testing. Allele origin: germline. Inheritance: Autosomal recessive inheritance.
Comment: The p.Cys304ProfsX5 variant in PEX12 has not been previously reported in individuals/any other families with disease, but has been identified in 0.01% (1/8730) of African chromosomes by the Genome Aggregation Database (gnomAD; dbSNP rs867245161). Although this variant has been seen in the general population, its frequency is low enough to be consistent with a recessive carrier frequency. This variant is predicted to cause a frameshift, which alters the protein’s amino acid sequence beginning at position 304 and leads to a premature termination codon 5 amino acids downstream. This termination codon occurs within the last exon and is more likely to escape nonsense mediated decay (NMD) and result in a truncated protein. Biallelic loss of function of the PEX12 gene, including variants predicted to escape NMD, is an established disease mechanism for peroxisome-biogenesis disorders. In summary, although additional studies are required to fully establish its clinical significance, the p.Cys304ProfsX5 variant in PEX12 is likely pathogenic for peroxisome-biogenesis disorders in an autosomal recessive manner based upon low frequency in controls and functional prediction.